The following is an entry in ClinVar:

ClinVar aggregate classification (germline): Uncertain significance. Review status: criteria provided, multiple submitters, no conflicts (2 of 4 stars). 2 submissions from 2 submitters: Uncertain significance (2). Last evaluated 2023-09-26.

Allele frequency attached by ClinVar (database versions not stated): ExAC 0.00001; gnomAD exomes 0.00001 and 0.00002.
gnomAD v4.1: 22 of 1,613,932 alleles (0.0014%); highest among the groups gnomAD compares: Non-Finnish European, 0.0018%; no homozygotes.

Submissions (2):

Blueprint Genetics
Classification: Uncertain significance. Last evaluated: 2023-09-26. Review status: criteria provided, single submitter. Criteria: ACMG Guidelines, 2015. Collection method: clinical testing. Allele origin: germline.

GeneDx
Classification: Uncertain significance. Last evaluated: 2021-04-14. Review status: criteria provided, single submitter. Criteria: GeneDx Variant Classification Process June 2021. Collection method: clinical testing. Allele origin: germline. Affected: yes.
Comment: Not observed at a significant frequency in large population cohorts (Lek et al., 2016); In silico analysis supports that this missense variant has a deleterious effect on protein structure/function; Has not been previously published as pathogenic or benign to our knowledge

NM_004722.4(AP4M1):c.1087T>C (p.Trp363Arg)

Gene: AP4M1 (adaptor related protein complex 4 subunit mu 1; plus strand). Cytogenetic location: 7q22.1.
Variant type: single nucleotide variant.
Coding change: c.1087T>C on transcript NM_004722.4 (MANE Select); coding-DNA position 1087, T replaced by C.
Protein change: p.Trp363Arg; replaces tryptophan 363 with arginine.
Molecular consequence: missense variant.
Genome position (GRCh38, 1-based): chr7:100,106,464, T>C. VCF-style: chr7-100106464-T-C. GRCh37 (hg19) VCF-style: chr7-99704087-T-C.
Other names: c.1108T>C, p.Trp370Arg (NM_001363671.2); short protein forms W363R, W370R.
Identifiers: ClinVar variation 1300905 (VCV001300905.3), dbSNP rs754138210, ClinGen allele CA4374967.